The following is an entry in ClinVar:

NM_000748.3(CHRNB2):c.410T>G (p.Val137Gly)

Gene: CHRNB2 (cholinergic receptor nicotinic beta 2 subunit; plus strand). Cytogenetic location: 1q21.3.
Variant type: single nucleotide variant.
Coding change: c.410T>G on transcript NM_000748.3 (MANE Select); coding-DNA position 410, T replaced by G.
Protein change: p.Val137Gly; replaces valine 137 with glycine.
Molecular consequence: missense variant.
Genome position (GRCh38, 1-based): chr1:154,571,233, T>G. VCF-style: chr1-154571233-T-G. GRCh37 (hg19) VCF-style: chr1-154543709-T-G.
Other names: short protein forms V137G.
Identifiers: ClinVar variation 2145351 (VCV002145351.4), dbSNP rs753331644, ClinGen allele CA342629962.

ClinVar aggregate classification (germline): Uncertain significance (1 of 4 stars; one submission).

Conditions:
Familial sleep-related hypermotor epilepsy. Also called: Autosomal Dominant Sleep-Related Hypermotor (Hyperkinetic) Epilepsy. Identifiers: Orphanet 98784, MedGen C3696898, MONDO:0000030.

Allele frequency attached by ClinVar (database versions not stated): TOPMed 0.00001.
gnomAD v4.1: 1 of 1,614,140 alleles (0.000062%); highest among the groups gnomAD compares: Non-Finnish European, 0.000085%; no homozygotes.

Submission:

Labcorp Genetics (formerly Invitae), Labcorp
Classification: Uncertain significance. Last evaluated: 2025-07-27. Review status: criteria provided, single submitter. Criteria: Invitae Variant Classification Sherloc (09022015). Collection method: clinical testing. Allele origin: germline.
Comment: This sequence change replaces valine, which is neutral and non-polar, with glycine, which is neutral and non-polar, at codon 137 of the CHRNB2 protein (p.Val137Gly). This variant is not present in population databases (gnomAD no frequency). This variant has not been reported in the literature in individuals affected with CHRNB2-related conditions. ClinVar contains an entry for this variant (Variation ID: 2145351). Invitae Evidence Modeling of protein sequence and biophysical properties (such as structural, functional, and spatial information, amino acid conservation, physicochemical variation, residue mobility, and thermodynamic stability) indicates that this missense variant is expected to disrupt CHRNB2 protein function with a positive predictive value of 80%. In summary, the available evidence is currently insufficient to determine the role of this variant in disease. Therefore, it has been classified as a Variant of Uncertain Significance.